The following is an entry in ClinVar:

NM_173543.3(DZIP1L):c.391C>T (p.Arg131Cys)

Gene: DZIP1L (DAZ interacting zinc finger protein 1 like; minus strand). Cytogenetic location: 3q22.3.
Variant type: single nucleotide variant.
Coding change: c.391C>T on transcript NM_173543.3 (MANE Select); coding-DNA position 391, C replaced by T.
Protein change: p.Arg131Cys; replaces arginine 131 with cysteine.
Molecular consequence: missense variant.
Genome position (GRCh38, 1-based): chr3:138,103,581, G>A on the plus strand (C>T on the coding strand, the complement: DZIP1L is on the minus strand). VCF-style: chr3-138103581-G-A. GRCh37 (hg19) VCF-style: chr3-137822423-G-A.
Other names: c.391C>T (NM_173543.2); c.391C>T, p.Arg131Cys (NM_001170538.1); short protein forms R131C.
Identifiers: ClinVar variation 1373101 (VCV001373101.10), dbSNP rs758115822, ClinGen allele CA2635301.
Genomic context (GRCh38, chr3:138,103,581, plus strand): 5'-TGATCATCTTGCGACGCCGGCGGCTCTCCTCCCGCACACCCTTGAGCTCGTCAGCCTGGC[G>A]TCCCAGCTCCTGCTGACCACGCTGCTGCTGGCCCAGGCTGGTCTGCAGCCGTGCCTCCAG-3'
Protein context (NP_775814.2, residues 121-141): QQQRGQQELG[Arg131Cys]QADELKGVRE

ClinVar aggregate classification (germline): Uncertain significance. Review status: criteria provided, multiple submitters, no conflicts (2 of 4 stars). 3 submissions from 3 submitters: Uncertain significance (3). Last evaluated 2023-11-22.

Conditions:
Inborn genetic diseases. Identifiers: MedGen C0950123, MeSH D030342.

Allele frequency attached by ClinVar (database versions not stated): gnomAD 0.00001; gnomAD exomes 0.00002 and 0.00003; TOPMed 0.00002; ExAC 0.00003.

Submissions (3):

Blueprint Genetics
Classification: Uncertain significance. Last evaluated: 2023-11-22. Review status: criteria provided, single submitter. Criteria: ACMG Guidelines, 2015. Collection method: clinical testing. Allele origin: germline.

Ambry Genetics
Classification: Uncertain significance for Inborn genetic diseases. Last evaluated: 2021-11-23. Review status: criteria provided, single submitter. Criteria: Ambry Variant Classification Scheme 2023. Collection method: clinical testing. Allele origin: germline.

Labcorp Genetics (formerly Invitae), Labcorp
Classification: Uncertain significance. Last evaluated: 2021-05-26. Review status: criteria provided, single submitter. Criteria: Invitae Variant Classification Sherloc (09022015). Collection method: clinical testing. Allele origin: germline.
Comment: This variant has not been reported in the literature in individuals with DZIP1L-related conditions. This variant is present in population databases (rs758115822, ExAC 0.01%). This sequence change replaces arginine with cysteine at codon 131 of the DZIP1L protein (p.Arg131Cys). The arginine residue is moderately conserved and there is a large physicochemical difference between arginine and cysteine. Algorithms developed to predict the effect of missense changes on protein structure and function are either unavailable or do not agree on the potential impact of this missense change (SIFT: "Deleterious"; PolyPhen-2: "Probably Damaging"; Align-GVGD: "Class C0"). In summary, the available evidence is currently insufficient to determine the role of this variant in disease. Therefore, it has been classified as a Variant of Uncertain Significance.